The following is an entry in ClinVar:

NM_031448.6(C19orf12):c.163G>T (p.Gly55Trp)

Gene: C19orf12 (chromosome 19 open reading frame 12; minus strand). Cytogenetic location: 19q12.
Variant type: single nucleotide variant.
Coding change: c.163G>T on transcript NM_031448.6 (MANE Select); coding-DNA position 163, G replaced by T.
Protein change: p.Gly55Trp; replaces glycine 55 with tryptophan.
Molecular consequence: missense variant. On other transcripts: 5 prime UTR variant (3).
Genome position (GRCh38, 1-based): chr19:29,702,975, C>A on the plus strand (G>T on the coding strand, the complement: C19orf12 is on the minus strand). VCF-style: chr19-29702975-C-A. GRCh37 (hg19) VCF-style: chr19-30193882-C-A.
Other names: c.163G>T, p.Gly55Trp (NM_001031726.4, NM_001256046.3, NM_001256047.2); c.-30G>T (NM_001282929.1, NM_001282930.3, NM_001282931.3); short protein forms G55W.
Identifiers: ClinVar variation 3764776 (VCV003764776.1).

ClinVar aggregate classification (germline): Uncertain significance (1 of 4 stars; one submission).

Conditions:
Neurodegeneration with brain iron accumulation 4 (NBIA4). Also called: MITOCHONDRIAL PROTEIN-ASSOCIATED NEURODEGENERATION. Identifiers: Orphanet 289560, MedGen C3280371, MONDO:0013674, OMIM 614298. Disease mechanism: loss of function.

gnomAD v4.1: 3 of 1,614,106 alleles (0.00019%); highest among the groups gnomAD compares: South Asian, 0.0022%; no homozygotes.

Submission:

Department of Paediatric Medicine, Post Graduation Institute of Medical Education and Research
Classification: Uncertain significance for Neurodegeneration with brain iron accumulation 4. Last evaluated: 2025-02-19. Review status: criteria provided, single submitter. Criteria: ACMG Guidelines, 2015. Collection method: clinical testing. Allele origin: inherited. Inheritance: Autosomal recessive inheritance. Affected: yes. Observed: 1 variant allele, 1 homozygote.
Comment: Homozygous missense variant c.163G>T in exon 3 of C19orf12 that results in p.Gly55Trp. This variant is not reported in gnomAD and 1000G. Amino acid is conserved across species. Gene C19orf12 is causative for Neurodegeneration with brain iron accumulation 4 which shows AD/AR inheritance. PM1, PM2, PP2, and PP3.